The following is an entry in ClinVar:

NM_015272.5(RPGRIP1L):c.2809C>T (p.Arg937Cys)

Gene: RPGRIP1L (RPGRIP1 like; minus strand). Cytogenetic location: 16q12.2.
Variant type: single nucleotide variant.
Coding change: c.2809C>T on transcript NM_015272.5 (MANE Select); coding-DNA position 2809, C replaced by T.
Protein change: p.Arg937Cys; replaces arginine 937 with cysteine.
Molecular consequence: missense variant.
Genome position (GRCh38, 1-based): chr16:53,641,350, G>A on the plus strand (C>T on the coding strand, the complement: RPGRIP1L is on the minus strand). VCF-style: chr16-53641350-G-A. GRCh37 (hg19) VCF-style: chr16-53675262-G-A.
Other names: c.2809C>T (NM_015272.4); c.2809C>T, p.Arg937Cys (NM_001127897.4, NM_001308334.3, NM_001330538.2); short protein forms R937C.
Identifiers: ClinVar variation 1899080 (VCV001899080.3), dbSNP rs745890092, ClinGen allele CA8057460.
Genomic context (GRCh38, chr16:53,641,350, plus strand): 5'-CTAGTGTGCTAACAGAGGATGCTGGAGGAAGTCTTTGAACAACTTCTGGCTCTTCGCTGC[G>A]AATGAAATTTCCTAAGTCTTCAGTTGTTATTGATCCACTTGGTGGAAGGTAAGCAAATTT-3'
Protein context (NP_056087.2, residues 927-947): ITTEDLGNFI[Arg937Cys]SEEPEVVQRL

ClinVar aggregate classification (germline): Uncertain significance. Review status: criteria provided, multiple submitters, no conflicts (2 of 4 stars). 2 submissions from 2 submitters: Uncertain significance (2). Last evaluated 2026-03-06.

Conditions:
Joubert syndrome. Also called: JOUBERT-BOLTSHAUSER SYNDROME; Familial aplasia of the vermis. Identifiers: Orphanet 475, MedGen C5979921, MONDO:0018772.
Meckel-Gruber syndrome. Also called: DYSENCEPHALIA SPLANCHNOCYSTICA; GRUBER SYNDROME; Dysencephalia splachnocystica. Identifiers: Orphanet 564, MedGen C0265215, MONDO:0018921.
RPGRIP1L-related disorder. Also called: RPGRIP1L-related condition; RPGRIP1L-related disorders. Identifiers: MedGen CN239416.

Allele frequency attached by ClinVar (database versions not stated): ExAC 0.00002; gnomAD 0.00002; TOPMed 0.00002.
gnomAD v4.1: 23 of 1,613,920 alleles (0.0014%); highest among the groups gnomAD compares: South Asian, 0.0077%; no homozygotes.

Submissions (2):

PreventionGenetics, part of Exact Sciences
Classification: Uncertain significance for RPGRIP1L-related condition. Last evaluated: 2026-03-06. Review status: criteria provided, single submitter. Criteria: ACMG Guidelines, 2015. Collection method: clinical testing. Allele origin: germline.
Comment: The RPGRIP1L c.2809C>T variant is predicted to result in the amino acid substitution p.Arg937Cys. To our knowledge, this variant has not been reported in the literature. This variant is reported in 0.013% of alleles in individuals of South Asian descent in gnomAD. A different nucleotide substitution affecting the same amino acid (p.Arg937Leu) has been reported in an individual with Leber congenital amaurosis (Khanna et al. 2009. PubMed ID: 19430481). At this time, the clinical significance of the c.2809C>T (p.Arg937Cys) variant is uncertain due to the absence of conclusive functional and genetic evidence.

Labcorp Genetics (formerly Invitae), Labcorp
Classification: Uncertain significance for Joubert syndrome; Meckel-Gruber syndrome. Last evaluated: 2022-07-23. Review status: criteria provided, single submitter. Criteria: Invitae Variant Classification Sherloc (09022015). Collection method: clinical testing. Allele origin: germline.
Comment: This sequence change replaces arginine, which is basic and polar, with cysteine, which is neutral and slightly polar, at codon 937 of the RPGRIP1L protein (p.Arg937Cys). This variant is present in population databases (rs745890092, gnomAD 0.01%). This variant has not been reported in the literature in individuals affected with RPGRIP1L-related conditions. Algorithms developed to predict the effect of missense changes on protein structure and function output the following: SIFT: "Tolerated"; PolyPhen-2: "Benign"; Align-GVGD: "Class C0". The cysteine amino acid residue is found in multiple mammalian species, which suggests that this missense change does not adversely affect protein function. In summary, the available evidence is currently insufficient to determine the role of this variant in disease. Therefore, it has been classified as a Variant of Uncertain Significance.